The following is an entry in ClinVar:

ClinVar aggregate classification (germline): Uncertain significance (1 of 4 stars; one submission).

Conditions:
SPTBN1-related disorder. Also called: SPTBN1-related condition.

Submission:

PreventionGenetics, part of Exact Sciences
Classification: Uncertain significance for SPTBN1-related condition. Last evaluated: 2025-12-28. Review status: criteria provided, single submitter. Criteria: ACMG Guidelines, 2015. Collection method: clinical testing. Allele origin: germline.
Comment: The SPTBN1 c.1851G>C variant is predicted to result in the amino acid substitution p.Glu617Asp. To our knowledge, this variant has not been reported in the literature or in a large population database (gnomAD), indicating this variant is rare. At this time, the clinical significance of this variant is uncertain due to the absence of conclusive functional and genetic evidence.

NM_003128.3(SPTBN1):c.1851G>C (p.Glu617Asp)

Gene: SPTBN1 (spectrin beta, non-erythrocytic 1; plus strand). Cytogenetic location: 2p16.2.
Variant type: single nucleotide variant.
Coding change: c.1851G>C on transcript NM_003128.3 (MANE Select); coding-DNA position 1851, G replaced by C.
Protein change: p.Glu617Asp; replaces glutamic acid 617 with aspartic acid.
Molecular consequence: missense variant.
Genome position (GRCh38, 1-based): chr2:54,628,985, G>C. VCF-style: chr2-54628985-G-C. GRCh37 (hg19) VCF-style: chr2-54856122-G-C.
Other names: c.1812G>C, p.Glu604Asp (NM_178313.3); short protein forms E617D, E604D.
Identifiers: ClinVar variation 4996312 (VCV004996312.1).